The following is an entry in ClinVar:

NM_000338.3(SLC12A1):c.1684+1G>A

Gene: SLC12A1 (solute carrier family 12 member 1; plus strand). Cytogenetic location: 15q21.1.
Variant type: single nucleotide variant.
Coding change: c.1684+1G>A on transcript NM_000338.3 (MANE Select); the canonical splice donor site of the intron after coding-DNA position 1684, G replaced by A.
Molecular consequence: splice donor variant.
Genome position (GRCh38, 1-based): chr15:48,247,461, G>A. VCF-style: chr15-48247461-G-A. GRCh37 (hg19) VCF-style: chr15-48539658-G-A.
Other names: c.1684+1G>A (NM_001384136.1, NM_001184832.2).
Identifiers: ClinVar variation 3062328 (VCV003062328.2), dbSNP rs2505087861, ClinGen allele CA392312696.

ClinVar aggregate classification (germline): Likely pathogenic (1 of 4 stars; one submission).

Conditions:
Bartter disease type 1. Also called: HYPERPROSTAGLANDIN E SYNDROME 1; HYPOKALEMIC ALKALOSIS WITH HYPERCALCIURIA 1, ANTENATAL; Bartter Syndrome type 1; Bartter syndrome, type 1, antenatal. Identifiers: Orphanet 112, Orphanet 620217, MedGen C1866495, MONDO:0100344, OMIM 601678, MONDO:0011127.

Submission:

Henan Provincial Key Laboratory of Genetic Diseases and Functional Genomics, Henan Provincial People’s Hospital
Classification: Likely pathogenic for Bartter disease type 1. Review status: criteria provided, single submitter. Criteria: ACMG Guidelines, 2015. Collection method: research, in vitro. Allele origin: paternal, not applicable. Inheritance: Autosomal recessive inheritance. Affected: yes. Observed: 1 compound heterozygote.
Comment: The c.1684+1 G>A variant in SLC12A1 has been identified in 1 Chinese family with autosomal recessive Bartter Syndrome Type 1. SLC12A1 c.1684+1 G>A is located in a canonical splice-site. In silico tools predict that the variant abolishes a consensus splice donor site of intron 13. Additionally, in vitro minigene splicing assay showed that c.1684+1 G>A caused complete skipping of exon 13 in the SLC12A1 gene, resulting in a frameshift mutation and a premature stop codon, ultimately leading to loss of SLC12A1 function. Based on the evidence, the variant was classified as likely pathogenic.